The following is an entry in ClinVar:

NM_001110556.2(FLNA):c.1952G>A (p.Ser651Asn)

Gene: FLNA (filamin A; minus strand). Cytogenetic location: Xq28.
Variant type: single nucleotide variant.
Coding change: c.1952G>A on transcript NM_001110556.2 (MANE Select); coding-DNA position 1952, G replaced by A.
Protein change: p.Ser651Asn; replaces serine 651 with asparagine.
Molecular consequence: missense variant.
Genome position (GRCh38, 1-based): chrX:154,364,596, C>T on the plus strand (G>A on the coding strand, the complement: FLNA is on the minus strand). VCF-style: chrX-154364596-C-T. GRCh37 (hg19) VCF-style: chrX-153592964-C-T.
Other names: p.Ser651Asn; c.1952G>A, p.Ser651Asn (NM_001456.4); short protein forms S651N.
Identifiers: ClinVar variation 3380762 (VCV003380762.1).
Genomic context (GRCh38, chrX:154,364,596, plus strand): 5'-TGGAAGTCCTGGGGCGCGTCACGGATGTCAGCCATGAAGGGGCTGAGGCGGATGTCTTCG[C>T]TGTTGCACAGCACGTGAACGGCATACTCGCCAGCCTCCTGCGGCCAGTAGCGCACATCAC-3'
Protein context (NP_001104026.1, residues 641-661): GEYAVHVLCN[Ser651Asn]EDIRLSPFMA

ClinVar aggregate classification (germline): Uncertain significance (1 of 4 stars; one submission).

Submission:

Mayo Clinic Laboratories, Mayo Clinic
Classification: Uncertain significance. Last evaluated: 2024-05-29. Review status: criteria provided, single submitter. Criteria: ACMG Guidelines, 2015. Collection method: clinical testing. Allele origin: germline. Observed: 1 variant allele.
Comment: BP4, PP2, PM2